The following is an entry in ClinVar:

NM_003545.4(H4C5):c.137G>A (p.Arg46His)

Genes: H4C5 (H4 clustered histone 5; plus strand), LOC129996027 (ATAC-STARR-seq lymphoblastoid active region 24208; plus strand). Cytogenetic location: 6p22.2.
Variant type: single nucleotide variant.
Coding change: c.137G>A on transcript NM_003545.4 (MANE Select); coding-DNA position 137, G replaced by A.
Protein change: p.Arg46His; replaces arginine 46 with histidine.
Molecular consequence: missense variant.
Genome position (GRCh38, 1-based): chr6:26,204,781, G>A. VCF-style: chr6-26204781-G-A. GRCh37 (hg19) VCF-style: chr6-26205009-G-A.
Other names: short protein forms R46H.
Identifiers: ClinVar variation 3385391 (VCV003385391.3).

ClinVar aggregate classification (germline): Uncertain significance (1 of 4 stars; one submission).

Conditions:
Tessadori-Van Haaften neurodevelopmental syndrome 3 (TEBIVANED3). Identifiers: MedGen C5774310, MONDO:0030993, OMIM 619950.

Submission:

Institute of Human Genetics, University of Leipzig Medical Center
Classification: Uncertain significance for Tessadori-Van Haaften neurodevelopmental syndrome 3. Last evaluated: 2025-03-18. Review status: criteria provided, single submitter. Criteria: ACMG Guidelines, 2015. Collection method: clinical testing. Allele origin: maternal. Inheritance: Autosomal dominant inheritance. Affected: yes.
Comment: Criteria applied: PM2,PM5,PP3